The following is an entry in ClinVar:

NM_000501.4(ELN):c.1175G>C (p.Gly392Ala)

Gene: ELN (elastin; plus strand). Cytogenetic location: 7q11.23.
Variant type: single nucleotide variant.
Coding change: c.1175G>C on transcript NM_000501.4 (MANE Select); coding-DNA position 1175, G replaced by C.
Protein change: p.Gly392Ala; replaces glycine 392 with alanine.
Molecular consequence: missense variant.
Genome position (GRCh38, 1-based): chr7:74,056,295, G>C. VCF-style: chr7-74056295-G-C. GRCh37 (hg19) VCF-style: chr7-73470625-G-C.
Other names: c.1145G>C, p.Gly382Ala (NM_001081752.3, NM_001278917.2); c.1190G>C, p.Gly397Ala (NM_001081753.3, NM_001081754.3); c.1175G>C, p.Gly392Ala (NM_001081755.3, NM_001278912.2, NM_001278915.2 and 1 more transcripts); c.1067G>C, p.Gly356Ala (NM_001278913.2); c.1160G>C, p.Gly387Ala (NM_001278914.2); c.1133G>C, p.Gly378Ala (NM_001278916.2); c.1043G>C, p.Gly348Ala (NM_001278918.2); short protein forms G387A, G392A, G348A, G356A, G378A, G397A, G382A.
Identifiers: ClinVar variation 3707199 (VCV003707199.2).

ClinVar aggregate classification (germline): Uncertain significance (1 of 4 stars; one submission).

Conditions:
Supravalvar aortic stenosis (SVAS). Also called: Supravalvar aortic stenosis, Eisenberg type. Identifiers: Orphanet 3193, MedGen C0003499, MONDO:0008504, OMIM 185500, HP:0004381.

Submission:

Labcorp Genetics (formerly Invitae), Labcorp
Classification: Uncertain significance for Supravalvar aortic stenosis. Last evaluated: 2024-07-27. Review status: criteria provided, single submitter. Criteria: Invitae Variant Classification Sherloc (09022015). Collection method: clinical testing. Allele origin: germline.
Comment: This sequence change replaces glycine, which is neutral and non-polar, with alanine, which is neutral and non-polar, at codon 392 of the ELN protein (p.Gly392Ala). This variant is not present in population databases (gnomAD no frequency). This variant has not been reported in the literature in individuals affected with ELN-related conditions. Advanced modeling of protein sequence and biophysical properties (such as structural, functional, and spatial information, amino acid conservation, physicochemical variation, residue mobility, and thermodynamic stability) performed at Invitae indicates that this missense variant is not expected to disrupt ELN protein function with a negative predictive value of 80%. In summary, the available evidence is currently insufficient to determine the role of this variant in disease. Therefore, it has been classified as a Variant of Uncertain Significance.